The following is an entry in ClinVar:

NM_001375524.1(TRRAP):c.2759A>G (p.Gln920Arg)

Gene: TRRAP (transformation/transcription domain associated protein; plus strand). Cytogenetic location: 7q22.1.
Variant type: single nucleotide variant.
Coding change: c.2759A>G on transcript NM_001375524.1 (MANE Select); coding-DNA position 2759, A replaced by G.
Protein change: p.Gln920Arg; replaces glutamine 920 with arginine.
Molecular consequence: missense variant.
Genome position (GRCh38, 1-based): chr7:98,921,889, A>G. VCF-style: chr7-98921889-A-G. GRCh37 (hg19) VCF-style: chr7-98519512-A-G.
Other names: c.2759A>G, p.Gln920Arg (NM_001244580.2, NM_003496.4); short protein forms Q920R.
Identifiers: ClinVar variation 3702102 (VCV003702102.2).

ClinVar aggregate classification (germline): Uncertain significance (1 of 4 stars; one submission).

gnomAD v4.1: 1 of 1,614,262 alleles (0.000062%); highest among the groups gnomAD compares: Non-Finnish European, 0.000085%; no homozygotes.

Submission:

Labcorp Genetics (formerly Invitae), Labcorp
Classification: Uncertain significance. Last evaluated: 2024-08-15. Review status: criteria provided, single submitter. Criteria: Invitae Variant Classification Sherloc (09022015). Collection method: clinical testing. Allele origin: germline.
Comment: This sequence change replaces glutamine, which is neutral and polar, with arginine, which is basic and polar, at codon 920 of the TRRAP protein (p.Gln920Arg). This variant is not present in population databases (gnomAD no frequency). This variant has not been reported in the literature in individuals affected with TRRAP-related conditions. Invitae Evidence Modeling of protein sequence and biophysical properties (such as structural, functional, and spatial information, amino acid conservation, physicochemical variation, residue mobility, and thermodynamic stability) indicates that this missense variant is not expected to disrupt TRRAP protein function with a negative predictive value of 80%. In summary, the available evidence is currently insufficient to determine the role of this variant in disease. Therefore, it has been classified as a Variant of Uncertain Significance.